The following is an entry in ClinVar:

ClinVar aggregate classification (germline): Uncertain significance (1 of 4 stars; one submission).

Conditions:
Inborn genetic diseases. Identifiers: MedGen C0950123, MeSH D030342.

Allele frequency attached by ClinVar (database versions not stated): gnomAD exomes below 0.00001.
gnomAD v4.1: 4 of 1,614,128 alleles (0.00025%); highest among the groups gnomAD compares: Non-Finnish European, 0.00034%; no homozygotes.

Submission:

Ambry Genetics
Classification: Uncertain significance for Inborn genetic diseases. Last evaluated: 2025-05-16. Review status: criteria provided, single submitter. Criteria: Ambry Variant Classification Scheme 2023. Collection method: clinical testing. Allele origin: germline.
Comment: The p.L963P variant (also known as c.2888T>C), located in coding exon 22 of the BUB1B gene, results from a T to C substitution at nucleotide position 2888. The leucine at codon 963 is replaced by proline, an amino acid with similar properties. This amino acid position is conserved. In addition, the in silico prediction for this alteration is inconclusive. Since supporting evidence is limited at this time, the clinical significance of this alteration remains unclear.

NM_001211.6(BUB1B):c.2888T>C (p.Leu963Pro)

Genes: BUB1B (BUB1 mitotic checkpoint serine/threonine kinase B; plus strand), BUB1B-PAK6 (BUB1B-PAK6 readthrough; plus strand). Cytogenetic location: 15q15.1.
Variant type: single nucleotide variant.
Coding change: c.2888T>C on transcript NM_001211.6 (MANE Select); coding-DNA position 2888, T replaced by C.
Protein change: p.Leu963Pro; replaces leucine 963 with proline.
Molecular consequence: missense variant. On other transcripts: intron variant (2).
Genome position (GRCh38, 1-based): chr15:40,218,493, T>C. VCF-style: chr15-40218493-T-C. GRCh37 (hg19) VCF-style: chr15-40510694-T-C.
Other names: c.-201+826T>C (NM_001128628.3); c.-118+826T>C (NM_001128629.3); short protein forms L963P.
Identifiers: ClinVar variation 2497651 (VCV002497651.3), dbSNP rs2542587587, ClinGen allele CA391688256.